The following is an entry in ClinVar:

ClinVar aggregate classification (germline): Uncertain significance (1 of 4 stars; one submission).

Conditions:
Inborn genetic diseases. Identifiers: MedGen C0950123, MeSH D030342.

Submission:

Ambry Genetics
Classification: Uncertain significance for Inborn genetic diseases. Last evaluated: 2025-10-27. Review status: criteria provided, single submitter. Criteria: Ambry Variant Classification Scheme 2023. Collection method: clinical testing. Allele origin: germline.
Comment: The p.L300Q variant (also known as c.899T>A), located in coding exon 10 of the ASXL1 gene, results from a T to A substitution at nucleotide position 899. The leucine at codon 300 is replaced by glutamine, an amino acid with dissimilar properties. This amino acid position is conserved. In addition, the in silico prediction for this alteration is inconclusive. Based on the available evidence, the clinical significance of this variant remains unclear.

NM_015338.6(ASXL1):c.899T>A (p.Leu300Gln)

Gene: ASXL1 (ASXL transcriptional regulator 1; plus strand). Cytogenetic location: 20q11.21.
Variant type: single nucleotide variant.
Coding change: c.899T>A on transcript NM_015338.6 (MANE Select); coding-DNA position 899, T replaced by A.
Protein change: p.Leu300Gln; replaces leucine 300 with glutamine.
Molecular consequence: missense variant.
Genome position (GRCh38, 1-based): chr20:32,431,599, T>A. VCF-style: chr20-32431599-T-A. GRCh37 (hg19) VCF-style: chr20-31019402-T-A.
Other names: c.716T>A, p.Leu239Gln (NM_001363734.1); short protein forms L300Q, L239Q.
Identifiers: ClinVar variation 4588182 (VCV004588182.1).